The following is an entry in ClinVar:

ClinVar aggregate classification (germline): Benign/Likely benign. Review status: criteria provided, multiple submitters, no conflicts (2 of 4 stars). 7 submissions from 7 submitters: Benign (4); Likely benign (3). Last evaluated 2026-07-01.

Conditions:
Joubert syndrome 15 (JBTS15). Identifiers: Orphanet 475, MedGen C3280897, MONDO:0013763, OMIM 614464.

Allele frequency attached by ClinVar (database versions not stated): gnomAD exomes 0.00071 and 0.00166; ExAC 0.00214; gnomAD 0.00699 and 0.00760; ESP Exome Variant Server 0.00715; 1000 Genomes Project 0.00759; 1000 Genomes Project 30x 0.00781; TOPMed 0.00797.

Submissions (7):

CeGaT Center for Human Genetics Tuebingen
Classification: Benign. Last evaluated: 2026-07-01. Review status: criteria provided, single submitter. Criteria: CeGaT Center For Human Genetics Tuebingen Variant Classification Criteria Version 2. Collection method: clinical testing. Allele origin: germline. Affected: yes. Observed: 4 variant alleles.
Comment: CEP41: BS1, BS2

Labcorp Genetics (formerly Invitae), Labcorp
Classification: Benign for Joubert syndrome 15. Last evaluated: 2026-01-11. Review status: criteria provided, single submitter. Criteria: Invitae Variant Classification Sherloc (09022015). Collection method: clinical testing. Allele origin: germline.

GeneDx
Classification: Benign. Last evaluated: 2018-04-18. Review status: criteria provided, single submitter. Criteria: GeneDx Variant Classification (06012015). Collection method: clinical testing. Allele origin: germline. Affected: yes.
Comment: This variant is considered likely benign or benign based on one or more of the following criteria: it is a conservative change, it occurs at a poorly conserved position in the protein, it is predicted to be benign by multiple in silico algorithms, and/or has population frequency not consistent with disease.

Illumina Laboratory Services, Illumina
Classification: Likely benign for Joubert syndrome 15. Last evaluated: 2017-04-27. Review status: criteria provided, single submitter. Criteria: ICSL Variant Classification Criteria 13 December 2019. Collection method: clinical testing. Allele origin: germline.
Comment: This variant was observed as part of a predisposition screen in an ostensibly healthy population. A literature search was performed for the gene, cDNA change, and amino acid change (where applicable). Publications were found based on this search. The evidence from the literature, in combination with allele frequency data from public databases where available, was sufficient to determine this variant is unlikely to cause disease. Therefore, this variant is classified as likely benign.

Center for Pediatric Genomic Medicine, Children's Mercy Hospital and Clinics
Classification: Likely benign. Last evaluated: 2017-03-10. Review status: criteria provided, single submitter. Criteria: ACMG Guidelines, 2015. Collection method: clinical testing. Allele origin: germline.

Genetic Services Laboratory, University of Chicago
Classification: Benign. Last evaluated: 2015-01-08. Review status: criteria provided, single submitter. Criteria: ACMG Guidelines, 2015. Collection method: clinical testing. Allele origin: germline.

Breakthrough Genomics
Classification: Likely benign. Review status: criteria provided, single submitter. Criteria: ACMG Guidelines, 2015. Collection method: not provided. Allele origin: germline. Inheritance: Autosomal recessive inheritance. Affected: yes.

Literature cited by the submitters: PubMed 21438139 (cited by Illumina Laboratory Services, Illumina).

NM_018718.3(CEP41):c.718T>G (p.Cys240Gly)

Gene: CEP41 (centrosomal protein 41; minus strand). Cytogenetic location: 7q32.2.
Variant type: single nucleotide variant.
Coding change: c.718T>G on transcript NM_018718.3 (MANE Select); coding-DNA position 718, T replaced by G.
Protein change: p.Cys240Gly; replaces cysteine 240 with glycine.
Molecular consequence: missense variant. On other transcripts: non-coding transcript variant (1).
Genome position (GRCh38, 1-based): chr7:130,400,746, A>C on the plus strand (T>G on the coding strand, the complement: CEP41 is on the minus strand). VCF-style: chr7-130400746-A-C. GRCh37 (hg19) VCF-style: chr7-130040587-A-C.
Other names: c.718T>G, p.Cys240Gly (NM_001257158.2); c.670T>G, p.Cys224Gly (NM_001257159.2); short protein forms C240G, C224G.
Identifiers: ClinVar variation 128705 (VCV000128705.46), dbSNP rs113941736, ClinGen allele CA152310.